The following is an entry in ClinVar:

ClinVar aggregate classification (germline): Conflicting classifications of pathogenicity. Review status: criteria provided, conflicting classifications (1 of 4 stars). 3 submissions from 3 submitters: Uncertain significance (2); Benign (1). Last evaluated 2025-02-16.

Conditions:
Tietz syndrome (TADS). Also called: ALBINISM-DEAFNESS OF TIETZ; HYPOPIGMENTATION/DEAFNESS OF TIETZ; TIETZ ALBINISM-DEAFNESS SYNDROME. Identifiers: Orphanet 42665, MedGen C0391816, MONDO:0007077, OMIM 103500.
Waardenburg syndrome type 2A (WS2A). Also called: WAARDENBURG SYNDROME WITHOUT DYSTOPIA CANTHORUM. Identifiers: Orphanet 3440, MedGen C1860339, MONDO:0008671, OMIM 193510.
Melanoma, cutaneous malignant, susceptibility to, 8. Also called: MELANOMA AND RENAL CELL CARCINOMA, SUSCEPTIBILITY TO; Cutaneous malignant melanoma 8. Identifiers: Orphanet 293822, MedGen C3152204, MONDO:0013759, OMIM 614456.
Hereditary cancer-predisposing syndrome. Also called: Hereditary Cancer Syndrome; Neoplastic Syndromes, Hereditary; Tumor predisposition; Hereditary neoplastic syndrome. Identifiers: Orphanet 140162, MedGen C0027672, MeSH D009386, MONDO:0015356.

Allele frequency attached by ClinVar (database versions not stated): gnomAD exomes below 0.00001; TOPMed below 0.00001; gnomAD 0.00001.
gnomAD v4.1: 4 of 1,613,814 alleles (0.00025%); highest among the groups gnomAD compares: Non-Finnish European, 0.00034%; no homozygotes.

Submissions (3):

Laboratory of Genetics, Children's Clinical University Hospital Latvia
Classification: Benign. Last evaluated: 2025-02-16. Review status: criteria provided, single submitter. Criteria: ACMG Guidelines, 2015. Collection method: clinical testing. Allele origin: germline. Affected: yes.

Ambry Genetics
Classification: Uncertain significance for Hereditary cancer-predisposing syndrome. Last evaluated: 2024-12-26. Review status: criteria provided, single submitter. Criteria: Ambry Variant Classification Scheme 2023. Collection method: clinical testing. Allele origin: germline.
Comment: The p.M410I variant (also known as c.1230G>A), located in coding exon 9 of the MITF gene, results from a G to A substitution at nucleotide position 1230. The methionine at codon 410 is replaced by isoleucine, an amino acid with highly similar properties. This amino acid position is conserved. In addition, this alteration is predicted to be tolerated by in silico analysis. Based on the available evidence, the clinical significance of this variant remains unclear.

Labcorp Genetics (formerly Invitae), Labcorp
Classification: Uncertain significance for Melanoma, cutaneous malignant, susceptibility to, 8; Waardenburg syndrome type 2A; Tietz syndrome. Last evaluated: 2024-02-15. Review status: criteria provided, single submitter. Criteria: Invitae Variant Classification Sherloc (09022015). Collection method: clinical testing. Allele origin: germline.
Comment: This sequence change replaces methionine, which is neutral and non-polar, with isoleucine, which is neutral and non-polar, at codon 410 of the MITF protein (p.Met410Ile). This variant is present in population databases (no rsID available, gnomAD 0.003%). This variant has not been reported in the literature in individuals affected with MITF-related conditions. Advanced modeling of protein sequence and biophysical properties (such as structural, functional, and spatial information, amino acid conservation, physicochemical variation, residue mobility, and thermodynamic stability) performed at Invitae indicates that this missense variant is not expected to disrupt MITF protein function with a negative predictive value of 80%. In summary, the available evidence is currently insufficient to determine the role of this variant in disease. Therefore, it has been classified as a Variant of Uncertain Significance.

NM_001354604.2(MITF):c.1551G>A (p.Met517Ile)

Gene: MITF (melanocyte inducing transcription factor; plus strand). Cytogenetic location: 3p13.
Variant type: single nucleotide variant.
Coding change: c.1551G>A on transcript NM_001354604.2 (MANE Select); coding-DNA position 1551, G replaced by A.
Protein change: p.Met517Ile; replaces methionine 517 with isoleucine.
Molecular consequence: missense variant.
Genome position (GRCh38, 1-based): chr3:69,965,218, G>A. VCF-style: chr3-69965218-G-A. GRCh37 (hg19) VCF-style: chr3-70014369-G-A.
Other names: c.1230G>A, p.Met410Ile (NM_000248.4); c.1377G>A, p.Met459Ile (NM_001184967.2, NM_001354608.2); c.1548G>A, p.Met516Ile (NM_001354605.2); c.1530G>A, p.Met510Ile (NM_001354606.2, NM_006722.3); c.1482G>A, p.Met494Ile (NM_001354607.2); c.1212G>A, p.Met404Ile (NM_198158.3); c.1533G>A, p.Met511Ile (NM_198159.3); c.1485G>A, p.Met495Ile (NM_198177.3); and 1 more; short protein forms M517I, M404I, M510I, M511I, M516I, M494I, M495I, M348I.
Identifiers: ClinVar variation 2937538 (VCV002937538.5), dbSNP rs1179860852, ClinGen allele CA353560074.